The following is an entry in ClinVar:

NM_170754.4(TNS2):c.1444C>T (p.Pro482Ser)

Gene: TNS2 (tensin 2; plus strand). Cytogenetic location: 12q13.13.
Variant type: single nucleotide variant.
Coding change: c.1444C>T on transcript NM_170754.4 (MANE Select); coding-DNA position 1444, C replaced by T.
Protein change: p.Pro482Ser; replaces proline 482 with serine.
Molecular consequence: missense variant.
Genome position (GRCh38, 1-based): chr12:53,059,085, C>T. VCF-style: chr12-53059085-C-T. GRCh37 (hg19) VCF-style: chr12-53452869-C-T.
Other names: c.1444C>T, p.Pro482Ser (NM_001416202.1); c.1402C>T, p.Pro468Ser (NM_001416203.1); c.1471C>T, p.Pro491Ser (NM_001416204.1); c.1375C>T, p.Pro459Ser (NM_015319.3); c.1072C>T, p.Pro358Ser (NM_198316.2); short protein forms P358S, P468S, P459S, P482S, P491S.
Identifiers: ClinVar variation 2822224 (VCV002822224.3), dbSNP rs780336754, ClinGen allele CA6592369.

ClinVar aggregate classification (germline): Uncertain significance (1 of 4 stars; one submission).

Allele frequency attached by ClinVar (database versions not stated): gnomAD exomes below 0.00001; ExAC 0.00002.

Submission:

Labcorp Genetics (formerly Invitae), Labcorp
Classification: Uncertain significance. Last evaluated: 2024-10-29. Review status: criteria provided, single submitter. Criteria: Invitae Variant Classification Sherloc (09022015). Collection method: clinical testing. Allele origin: germline.
Comment: This sequence change replaces proline, which is neutral and non-polar, with serine, which is neutral and polar, at codon 492 of the TNS2 protein (p.Pro492Ser). This variant is present in population databases (rs780336754, gnomAD 0.02%). This variant has not been reported in the literature in individuals affected with TNS2-related conditions. An algorithm developed to predict the effect of missense changes on protein structure and function (PolyPhen-2) suggests that this variant is likely to be disruptive. In summary, the available evidence is currently insufficient to determine the role of this variant in disease. Therefore, it has been classified as a Variant of Uncertain Significance.